The following is an entry in ClinVar:

ClinVar aggregate classification (germline): Uncertain significance. Review status: criteria provided, multiple submitters, no conflicts (2 of 4 stars). 2 submissions from 2 submitters: Uncertain significance (2). Last evaluated 2025-03-26.

Conditions:
Inborn genetic diseases. Identifiers: MedGen C0950123, MeSH D030342.

Allele frequency attached by ClinVar (database versions not stated): TOPMed 0.00001; gnomAD exomes 0.00002; gnomAD 0.00001.
gnomAD v4.1: 33 of 1,614,008 alleles (0.002%); highest among the groups gnomAD compares: Non-Finnish European, 0.0025%; no homozygotes.

Submissions (2):

Ambry Genetics
Classification: Uncertain significance for Inborn genetic diseases. Last evaluated: 2025-03-26. Review status: criteria provided, single submitter. Criteria: Ambry Variant Classification Scheme 2023. Collection method: clinical testing. Allele origin: germline.

Labcorp Genetics (formerly Invitae), Labcorp
Classification: Uncertain significance. Last evaluated: 2023-11-27. Review status: criteria provided, single submitter. Criteria: Invitae Variant Classification Sherloc (09022015). Collection method: clinical testing. Allele origin: germline.
Comment: This sequence change replaces alanine, which is neutral and non-polar, with glycine, which is neutral and non-polar, at codon 17 of the MCM3AP protein (p.Ala17Gly). This variant is present in population databases (no rsID available, gnomAD 0.01%). This variant has not been reported in the literature in individuals affected with MCM3AP-related conditions. ClinVar contains an entry for this variant (Variation ID: 1992093). An algorithm developed to predict the effect of missense changes on protein structure and function (PolyPhen-2) suggests that this variant¬†is likely to be tolerated. In summary, the available evidence is currently insufficient to determine the role of this variant in disease. Therefore, it has been classified as a Variant of Uncertain Significance.

NM_003906.5(MCM3AP):c.50C>G (p.Ala17Gly)

Gene: MCM3AP (minichromosome maintenance complex component 3 associated protein; minus strand). Cytogenetic location: 21q22.3.
Variant type: single nucleotide variant.
Coding change: c.50C>G on transcript NM_003906.5 (MANE Select); coding-DNA position 50, C replaced by G.
Protein change: p.Ala17Gly; replaces alanine 17 with glycine.
Molecular consequence: missense variant.
Genome position (GRCh38, 1-based): chr21:46,285,237, G>C on the plus strand (C>G on the coding strand, the complement: MCM3AP is on the minus strand). VCF-style: chr21-46285237-G-C. GRCh37 (hg19) VCF-style: chr21-47705151-G-C.
Other names: c.50C>G (NM_003906.3); short protein forms A17G.
Identifiers: ClinVar variation 1992093 (VCV001992093.3), dbSNP rs1394685930, ClinGen allele CA410538288.